The following is an entry in ClinVar:

ClinVar aggregate classification (germline): Uncertain significance (1 of 4 stars; one submission).

Submission:

GeneDx
Classification: Uncertain significance. Last evaluated: 2023-05-17. Review status: criteria provided, single submitter. Criteria: GeneDx Variant Classification Process June 2021. Collection method: clinical testing. Allele origin: germline. Affected: yes.
Comment: Not observed at significant frequency in large population cohorts (gnomAD); In silico analysis supports that this missense variant has a deleterious effect on protein structure/function; Has not been previously published as pathogenic or benign to our knowledge

NM_006852.6(TLK2):c.881T>C (p.Leu294Ser)

Gene: TLK2 (tousled like kinase 2; plus strand). Cytogenetic location: 17q23.2.
Variant type: single nucleotide variant.
Coding change: c.881T>C on transcript NM_006852.6 (MANE Select); coding-DNA position 881, T replaced by C.
Protein change: p.Leu294Ser; replaces leucine 294 with serine.
Molecular consequence: missense variant.
Genome position (GRCh38, 1-based): chr17:62,565,050, T>C. VCF-style: chr17-62565050-T-C. GRCh37 (hg19) VCF-style: chr17-60642411-T-C.
Other names: c.881T>C, p.Leu294Ser (NM_001284333.3, NM_001375270.1, NM_001375271.1); c.785T>C, p.Leu262Ser (NM_001284363.1, NM_001375272.1); c.434T>C, p.Leu145Ser (NM_001330418.3, NM_001375273.1); c.923T>C, p.Leu308Ser (NM_001375269.1); c.596T>C, p.Leu199Ser (NM_001411074.1); short protein forms L145S, L199S, L262S, L294S, L308S.
Identifiers: ClinVar variation 3343647 (VCV003343647.1).